The following is an entry in ClinVar:

ClinVar aggregate classification (germline): Uncertain significance (1 of 4 stars; one submission).

Submission:

Ambry Genetics
Classification: Uncertain significance. Last evaluated: 2023-02-15. Review status: criteria provided, single submitter. Criteria: Ambry Variant Classification Scheme 2023. Collection method: clinical testing. Allele origin: germline.
Comment: The p.S370A variant (also known as c.1108T>G), located in coding exon 9 of the FAM175A gene, results from a T to G substitution at nucleotide position 1108. The serine at codon 370 is replaced by alanine, an amino acid with similar properties. This amino acid position is conserved. In addition, this alteration is predicted to be tolerated by in silico analysis. Since supporting evidence is limited at this time, the clinical significance of this alteration remains unclear.

NM_139076.3(ABRAXAS1):c.1108T>G (p.Ser370Ala)

Gene: ABRAXAS1 (abraxas 1, BRCA1 A complex subunit; minus strand). Cytogenetic location: 4q21.23.
Variant type: single nucleotide variant.
Coding change: c.1108T>G on transcript NM_139076.3 (MANE Select); coding-DNA position 1108, T replaced by G.
Protein change: p.Ser370Ala; replaces serine 370 with alanine.
Molecular consequence: missense variant.
Genome position (GRCh38, 1-based): chr4:83,462,591, A>C on the plus strand (T>G on the coding strand, the complement: ABRAXAS1 is on the minus strand). VCF-style: chr4-83462591-A-C. GRCh37 (hg19) VCF-style: chr4-84383744-A-C.
Other names: c.781T>G, p.Ser261Ala (NM_001345962.2); short protein forms S370A, S261A.
Identifiers: ClinVar variation 2449151 (VCV002449151.2), dbSNP rs587780263, ClinGen allele CA357255117.